The following is an entry in ClinVar:

ClinVar aggregate classification (germline): Benign/Likely benign. Review status: criteria provided, multiple submitters, no conflicts (2 of 4 stars). 12 submissions from 12 submitters: Benign (4); Likely benign (7). 1 of the submissions does not count toward it. Last evaluated 2026-09-01.

Conditions:
Hereditary spastic paraplegia. Also called: Familial spastic paraparesis. Identifiers: Orphanet 685, MedGen C0037773, MONDO:0019064. Disease mechanism: loss of function.
Hereditary spastic paraplegia 47. Also called: CEREBRAL PALSY, SPASTIC QUADRIPLEGIC, 5; Spastic paraplegia 47, autosomal recessive; adaptor protein 4 (AP-4) deficiency syndrome. Identifiers: Orphanet 280763, MedGen C3279738, MONDO:0013551, OMIM 614066.
Inborn genetic diseases. Identifiers: MedGen C0950123, MeSH D030342.

Allele frequency attached by ClinVar (database versions not stated): 1000 Genomes Project 0.00200; 1000 Genomes Project 30x 0.00219; ExAC 0.00358; gnomAD 0.00358 and 0.00406; gnomAD exomes 0.00373; ESP Exome Variant Server 0.00384; TOPMed 0.00426.
gnomAD v4.1: 9,077 of 1,614,224 alleles (0.56%); highest among the groups gnomAD compares: Non-Finnish European, 0.69%; 50 homozygotes.

Submissions (12):

CeGaT Center for Human Genetics Tuebingen
Classification: Likely benign. Last evaluated: 2026-09-01. Review status: criteria provided, single submitter. Criteria: CeGaT Center For Human Genetics Tuebingen Variant Classification Criteria Version 2. Collection method: clinical testing. Allele origin: germline. Affected: yes. Observed: 28 variant alleles.
Comment: AP4B1: BP4, BS2

Labcorp Genetics (formerly Invitae), Labcorp
Classification: Benign for Hereditary spastic paraplegia 47. Last evaluated: 2026-02-03. Review status: criteria provided, single submitter. Criteria: Invitae Variant Classification Sherloc (09022015). Collection method: clinical testing. Allele origin: germline.

Genome-Nilou Lab
Classification: Likely benign for Hereditary spastic paraplegia 47. Last evaluated: 2023-04-11. Review status: criteria provided, single submitter. Criteria: ACMG Guidelines, 2015. Collection method: clinical testing. Allele origin: germline. Affected: no.

GeneDx
Classification: Likely benign. Last evaluated: 2021-11-15. Review status: criteria provided, single submitter. Criteria: GeneDx Variant Classification Process June 2021. Collection method: clinical testing. Allele origin: germline. Affected: yes.

Mayo Clinic Laboratories, Mayo Clinic
Classification: Benign. Last evaluated: 2021-11-11. Review status: criteria provided, single submitter. Criteria: ACMG Guidelines, 2015. Collection method: clinical testing. Allele origin: germline. Observed: 14 variant alleles.

Genome Diagnostics Laboratory, The Hospital for Sick Children
Classification: Benign for Hereditary spastic paraplegia. Last evaluated: 2020-11-03. Review status: criteria provided, single submitter. Criteria: ACMG Guidelines, 2015. Collection method: clinical testing. Allele origin: germline. Affected: yes.

Clinical Genetics DNA and cytogenetics Diagnostics Lab, Erasmus MC, Erasmus Medical Center
Classification: Likely benign for Hereditary spastic paraplegia 47. Last evaluated: 2017-06-28. Review status: criteria provided, single submitter. Criteria: ACGS Guidelines, 2013. Collection method: clinical testing. Allele origin: germline. Affected: yes. Study: VKGL Data-share Consensus.

Eurofins Ntd Llc (ga)
Classification: Likely benign. Last evaluated: 2016-12-20. Review status: criteria provided, single submitter. Criteria: EGL Classification Definitions 2015. Collection method: clinical testing. Allele origin: germline. Observed: 1 variant allele, 1 heterozygote.

Ambry Genetics
Classification: Benign for Inborn genetic diseases. Last evaluated: 2016-06-22. Review status: criteria provided, single submitter. Criteria: Ambry Variant Classification Scheme 2023. Collection method: clinical testing. Allele origin: germline.

Center for Pediatric Genomic Medicine, Children's Mercy Hospital and Clinics
Classification: Likely benign. Last evaluated: 2016-05-10. Review status: criteria provided, single submitter. Criteria: ACMG Guidelines, 2015. Collection method: clinical testing. Allele origin: germline.
ClinVar note: Converted during submission from Likely Benign to Likely benign.

Genetic Services Laboratory, University of Chicago
Classification: Likely benign. Last evaluated: 2015-11-18. Review status: criteria provided, single submitter. Criteria: ACMG Guidelines, 2015. Collection method: clinical testing. Allele origin: germline. Affected: no.

Diagnostic Laboratory, Department of Genetics, University Medical Center Groningen
Classification: Likely benign for Hereditary spastic paraplegia 47. Review status: no assertion criteria provided. Collection method: clinical testing. Allele origin: germline. Affected: yes. Study: VKGL Data-share Consensus. Not counted in ClinVar's aggregate classification.

NM_001253852.3(AP4B1):c.1723A>G (p.Ile575Val)

Genes: AP4B1 (adaptor related protein complex 4 subunit beta 1; minus strand), AP4B1-AS1 (AP4B1 antisense RNA 1; plus strand). Cytogenetic location: 1p13.2.
Variant type: single nucleotide variant.
Coding change: c.1723A>G on transcript NM_001253852.3 (MANE Select); coding-DNA position 1723, A replaced by G.
Protein change: p.Ile575Val; replaces isoleucine 575 with valine.
Molecular consequence: missense variant.
Genome position (GRCh38, 1-based): chr1:113,895,826, T>C on the plus strand (A>G on the coding strand, the complement: AP4B1 is on the minus strand). VCF-style: chr1-113895826-T-C. GRCh37 (hg19) VCF-style: chr1-114438448-T-C.
Other names: p.Ile575Val; c.1426A>G, p.Ile476Val (NM_001253853.3); c.1219A>G, p.Ile407Val (NM_001308312.2); c.1723A>G, p.Ile575Val (NM_006594.5); short protein forms I575V, I407V, I476V.
Identifiers: ClinVar variation 220727 (VCV000220727.70), dbSNP rs114734921, ClinGen allele CA349820.